The following is an entry in ClinVar:

ClinVar aggregate classification (germline): Pathogenic (1 of 4 stars; one submission).

Conditions:
Joubert syndrome. Also called: CEREBELLOPARENCHYMAL DISORDER IV; JOUBERT-BOLTSHAUSER SYNDROME; Familial aplasia of the vermis. Identifiers: Orphanet 475, MedGen C5979921, MONDO:0018772.

Submission:

Labcorp Genetics (formerly Invitae), Labcorp
Classification: Pathogenic for Joubert syndrome. Last evaluated: 2023-09-18. Review status: criteria provided, single submitter. Criteria: Invitae Variant Classification Sherloc (09022015). Collection method: clinical testing. Allele origin: germline.
Comment: The frequency data for this variant in the population databases is considered unreliable, as metrics indicate poor data quality at this position in the gnomAD database. For these reasons, this variant has been classified as Pathogenic. Algorithms developed to predict the effect of sequence changes on RNA splicing suggest that this variant may disrupt the consensus splice site. This variant has not been reported in the literature in individuals affected with AHI1-related conditions. This sequence change creates a premature translational stop signal (p.Lys298Asnfs*29) in the AHI1 gene. It is expected to result in an absent or disrupted protein product. Loss-of-function variants in AHI1 are known to be pathogenic (PMID: 15322546, 16453322, 28442542, 29186038).

Literature cited by the submitters: PubMed 15322546; PubMed 16453322; PubMed 28442542; PubMed 29186038.

NM_001134831.2(AHI1):c.894del (p.Lys298fs)

Gene: AHI1 (Abelson helper integration site 1; minus strand). Cytogenetic location: 6q23.3.
Variant type: Deletion.
Coding change: c.894del on transcript NM_001134831.2 (MANE Select); coding-DNA position 894, one base deleted (A; older notation c.894delA).
Protein change: p.Lys298fs; shifts the reading frame from lysine 298.
Molecular consequence: frameshift variant.
Genome position (GRCh38, 1-based): chr6:135,463,162, T deleted on the plus strand (A on the coding strand, the reverse complement: AHI1 is on the minus strand); the first of 4 consecutive T bases (chr6:135,463,162-135,463,165); deleting any one gives the same sequence. VCF-style (leftmost placement, unchanged base first): chr6-135463161-GT-G. GRCh37 (hg19) VCF-style: chr6-135784299-GT-G.
Other names: c.894del, p.Lys298fs (NM_001134830.2, NM_001134832.2, NM_001350503.2 and 2 more transcripts); short protein forms K298fs.
Identifiers: ClinVar variation 2761483 (VCV002761483.3), dbSNP rs1157749145, ClinGen allele CA570976417.
Genomic context (GRCh38, chr6:135,463,161, plus strand): 5'-TTTCATTTAATTTGTATAGCAAACCTGCTTTAGTCTTCTTTTTTGTTTTTTTTGGTTTAG[GT>G]TTTGTATCATCTTGCATGCTGTCTTCTGTGCTTTGTTCCATTGAGCTTATTTCATCATCT-3'